The following is an entry in ClinVar:

ClinVar aggregate classification (germline): Likely benign (1 of 4 stars; one submission).

Submission:

CeGaT Center for Human Genetics Tuebingen
Classification: Likely benign. Last evaluated: 2025-09-01. Review status: criteria provided, single submitter. Criteria: CeGaT Center For Human Genetics Tuebingen Variant Classification Criteria Version 2. Collection method: clinical testing. Allele origin: germline. Affected: yes. Observed: 1 variant allele.
Comment: LIG3: BP4, BP7

NM_013975.4(LIG3):c.1428G>T (p.Ser476=)

Gene: LIG3 (DNA ligase 3; plus strand). Cytogenetic location: 17q12.
Variant type: single nucleotide variant.
Coding change: c.1428G>T on transcript NM_013975.4 (MANE Select); coding-DNA position 1428, G replaced by T.
Protein change: p.Ser476=; no amino-acid change (serine 476 retained).
Molecular consequence: synonymous variant.
Genome position (GRCh38, 1-based): chr17:34,992,665, G>T. VCF-style: chr17-34992665-G-T. GRCh37 (hg19) VCF-style: chr17-33319684-G-T.
Other names: c.1428G>T, p.Ser476= (NM_002311.5).
Identifiers: ClinVar variation 4281442 (VCV004281442.7).